The following is an entry in ClinVar:

ClinVar aggregate classification (germline): Uncertain significance (1 of 4 stars; one submission).

gnomAD v4.1: 4 of 1,614,068 alleles (0.00025%); highest among the groups gnomAD compares: Non-Finnish European, 0.00034%; no homozygotes.

Submission:

Ambry Genetics
Classification: Uncertain significance. Last evaluated: 2023-12-29. Review status: criteria provided, single submitter. Criteria: Ambry Variant Classification Scheme 2023. Collection method: clinical testing. Allele origin: germline.
Comment: The p.R488L variant (also known as c.1463G>T), located in coding exon 6 of the PALLD gene, results from a G to T substitution at nucleotide position 1463. The arginine at codon 488 is replaced by leucine, an amino acid with dissimilar properties. This amino acid position is conserved. In addition, this alteration is predicted to be deleterious by in silico analysis. Since supporting evidence is limited at this time, the clinical significance of this alteration remains unclear.

NM_001166108.2(PALLD):c.1463G>T (p.Arg488Leu)

Gene: PALLD (palladin, cytoskeletal associated protein; plus strand). Cytogenetic location: 4q32.3.
Variant type: single nucleotide variant.
Coding change: c.1463G>T on transcript NM_001166108.2 (MANE Select); coding-DNA position 1463, G replaced by T.
Protein change: p.Arg488Leu; replaces arginine 488 with leucine.
Molecular consequence: missense variant.
Genome position (GRCh38, 1-based): chr4:168,690,730, G>T. VCF-style: chr4-168690730-G-T. GRCh37 (hg19) VCF-style: chr4-169611881-G-T.
Other names: c.317G>T, p.Arg106Leu (NM_001166109.2); c.1463G>T, p.Arg488Leu (NM_016081.4); short protein forms R106L, R488L.
Identifiers: ClinVar variation 1773203 (VCV001773203.2), dbSNP rs753001032, ClinGen allele CA3135617.
Genomic context (GRCh38, chr4:168,690,730, plus strand): 5'-CCCCTCTGCAGGTCCAGTGGTTTCGGCAAGGGAGTGAAATCCAAGACTCTCCAGATTTCC[G>T]AATTCTACAGAAAAGTAAGGAGAAGTGCCCATGTCCCCAAATCTGACCATTTTATTCTCT-3'
Protein context (NP_001159580.1, residues 478-498): GSEIQDSPDF[Arg488Leu]ILQKKPRSTA